The following is an entry in ClinVar:

ClinVar aggregate classification (germline): Uncertain significance (1 of 4 stars; one submission).

Conditions:
Ehlers-Danlos syndrome, classic type, 1 (EDSCL1). Also called: EHLERS-DANLOS SYNDROME, GRAVIS TYPE; EHLERS-DANLOS SYNDROME, SEVERE CLASSIC TYPE; Ehlers-Danlos syndrome, type 1; Ehlers-Danlos Syndrome, Classic Type, COL5A1-Related; EDS I. Identifiers: MedGen C0268335, MONDO:0019567, OMIM 130000.
Osteogenesis imperfecta type I (OI1). Also called: OI, TYPE I; OSTEOGENESIS IMPERFECTA TARDA; OSTEOGENESIS IMPERFECTA WITH BLUE SCLERAE; Osteogenesis imperfecta type 1; Lobstein's Disease; Lobstein disease. Identifiers: Orphanet 216796, Orphanet 666, MedGen C0023931, MONDO:0008146, OMIM 166200. Disease mechanism: loss of function.

Allele frequency attached by ClinVar (database versions not stated): gnomAD 0.00001.
gnomAD v4.1: 2 of 1,613,484 alleles (0.00012%); highest among the groups gnomAD compares: African/African-American, 0.0013%; no homozygotes.

Submission:

Labcorp Genetics (formerly Invitae), Labcorp
Classification: Uncertain significance for Osteogenesis imperfecta type I; Ehlers-Danlos syndrome, classic type, 1. Last evaluated: 2021-03-18. Review status: criteria provided, single submitter. Criteria: Invitae Variant Classification Sherloc (09022015). Collection method: clinical testing. Allele origin: germline.
Comment: This sequence change falls in intron 4 of the COL1A2 gene. It does not directly change the encoded amino acid sequence of the COL1A2 protein. It affects a nucleotide within the consensus splice site of the intron. This variant is not present in population databases (ExAC no frequency). This variant has not been reported in the literature in individuals with COL1A2-related conditions. Nucleotide substitutions within the consensus splice site are a relatively common cause of aberrant splicing (PMID: 17576681, 9536098). Algorithms developed to predict the effect of sequence changes on RNA splicing suggest that this variant may create or strengthen a splice site, but this prediction has not been confirmed by published transcriptional studies. In summary, the available evidence is currently insufficient to determine the role of this variant in disease. Therefore, it has been classified as a Variant of Uncertain Significance.

Literature cited by the submitters: PubMed 17576681; PubMed 9536098.

NM_000089.4(COL1A2):c.132+3G>A

Gene: COL1A2 (collagen type I alpha 2 chain; plus strand). Cytogenetic location: 7q21.3.
Variant type: single nucleotide variant.
Coding change: c.132+3G>A on transcript NM_000089.4 (MANE Select); 3 bases into the intron after coding-DNA position 132, G replaced by A.
Molecular consequence: intron variant.
Genome position (GRCh38, 1-based): chr7:94,399,087, G>A. VCF-style: chr7-94399087-G-A. GRCh37 (hg19) VCF-style: chr7-94028399-G-A.
Identifiers: ClinVar variation 1517380 (VCV001517380.6), dbSNP rs1262984429, ClinGen allele CA576321354.